The following is an entry in ClinVar:

ClinVar aggregate classification (germline): Uncertain significance (1 of 4 stars; one submission).

gnomAD v4.1: 1 of 1,598,708 alleles (0.000063%); highest among the groups gnomAD compares: Non-Finnish European, 0.000085%; no homozygotes.

Submission:

GeneDx
Classification: Uncertain significance. Last evaluated: 2021-05-25. Review status: criteria provided, single submitter. Criteria: GeneDx Variant Classification Process June 2021. Collection method: clinical testing. Allele origin: germline. Affected: yes.
Comment: Has not been previously published as pathogenic or benign to our knowledge; Not observed at significant frequency in large population cohorts (Lek et al., 2016); In silico analysis supports that this missense variant does not alter protein structure/function

NM_001365276.2(TNXB):c.4394C>T (p.Thr1465Ile)

Gene: TNXB (tenascin XB; minus strand). Cytogenetic location: 6p21.33.
Variant type: single nucleotide variant.
Coding change: c.4394C>T on transcript NM_001365276.2 (MANE Select); coding-DNA position 4394, C replaced by T.
Protein change: p.Thr1465Ile; replaces threonine 1465 with isoleucine.
Molecular consequence: missense variant.
Genome position (GRCh38, 1-based): chr6:32,073,934, G>A on the plus strand (C>T on the coding strand, the complement: TNXB is on the minus strand). VCF-style: chr6-32073934-G-A. GRCh37 (hg19) VCF-style: chr6-32041711-G-A.
Other names: c.4394C>T, p.Thr1465Ile (NM_019105.8); short protein forms T1465I.
Identifiers: ClinVar variation 1326493 (VCV001326493.2), dbSNP rs1467218146, ClinGen allele CA363425613.
Genomic context (GRCh38, chr6:32,073,934, plus strand): 5'-ACATCTGTCACTGTCAGCTCTCCTAGGCGTGGCTCCAGCGGGGACTCAGTGGCTGGAGGG[G>A]TCTCTTCTTGTTGTGGGGCTGGGACAGAGATGGTAGGGGGCTGTTAGTAAAGAATCCCCC-3'
Protein context (NP_001352205.1, residues 1455-1475): VGVTAPQQEE[Thr1465Ile]PPATESPLEP